The following is an entry in ClinVar:

ClinVar aggregate classification (germline): Uncertain significance (1 of 4 stars; one submission).

Submission:

Labcorp Genetics (formerly Invitae), Labcorp
Classification: Uncertain significance. Last evaluated: 2022-07-12. Review status: criteria provided, single submitter. Criteria: Invitae Variant Classification Sherloc (09022015). Collection method: clinical testing. Allele origin: germline.
Comment: This sequence change falls in intron 24 of the COL9A1 gene. It does not directly change the encoded amino acid sequence of the COL9A1 protein. This variant is not present in population databases (gnomAD no frequency). This variant has not been reported in the literature in individuals affected with COL9A1-related conditions. ClinVar contains an entry for this variant (Variation ID: 1466080). Algorithms developed to predict the effect of sequence changes on RNA splicing suggest that this variant may disrupt the consensus splice site. In summary, the available evidence is currently insufficient to determine the role of this variant in disease. Therefore, it has been classified as a Variant of Uncertain Significance.

NM_001851.6(COL9A1):c.1666-16A>G

Gene: COL9A1 (collagen type IX alpha 1 chain; minus strand). Cytogenetic location: 6q13.
Variant type: single nucleotide variant.
Coding change: c.1666-16A>G on transcript NM_001851.6 (MANE Select); 16 bases into the intron before coding-DNA position 1666, A replaced by G.
Molecular consequence: intron variant.
Genome position (GRCh38, 1-based): chr6:70,254,545, T>C on the plus strand (A>G on the coding strand, the complement: COL9A1 is on the minus strand). VCF-style: chr6-70254545-T-C. GRCh37 (hg19) VCF-style: chr6-70964248-T-C.
Other names: c.937-16A>G (NM_001377290.1, NM_078485.4); c.967-16A>G (NM_001377289.1).
Identifiers: ClinVar variation 1466080 (VCV001466080.8), dbSNP rs2127576389, ClinGen allele CA2573141085.
Genomic context (GRCh38, chr6:70,254,545, plus strand): 5'-CTGCAATCCTGCATCACCAGGAGGCCCAGGTTTTCCTGGTTCACCCTGCAAAAAAAGCTT[T>C]TATCACATGATTGAACCTGTATGAGCTGCTGTATTTCTTTTAAGAAACGGAGGAGCACAG-3'